The following is an entry in ClinVar:

ClinVar aggregate classification (germline): Uncertain significance (1 of 4 stars; one submission).

Allele frequency attached by ClinVar (database versions not stated): gnomAD 0.00001; gnomAD exomes 0.00001 and 0.00003; TOPMed 0.00003; ExAC 0.00004.
gnomAD v4.1: 19 of 1,614,026 alleles (0.0012%); highest among the groups gnomAD compares: Admixed American, 0.0083%; no homozygotes.

Submission:

Labcorp Genetics (formerly Invitae), Labcorp
Classification: Uncertain significance. Last evaluated: 2022-07-05. Review status: criteria provided, single submitter. Criteria: Invitae Variant Classification Sherloc (09022015). Collection method: clinical testing. Allele origin: germline.
Comment: This sequence change replaces arginine, which is basic and polar, with glutamine, which is neutral and polar, at codon 104 of the CANT1 protein (p.Arg104Gln). This variant is present in population databases (rs763599455, gnomAD 0.009%). This variant has not been reported in the literature in individuals affected with CANT1-related conditions. ClinVar contains an entry for this variant (Variation ID: 1367451). Algorithms developed to predict the effect of missense changes on protein structure and function (SIFT, PolyPhen-2, Align-GVGD) all suggest that this variant is likely to be tolerated. In summary, the available evidence is currently insufficient to determine the role of this variant in disease. Therefore, it has been classified as a Variant of Uncertain Significance.

NM_001159773.2(CANT1):c.311G>A (p.Arg104Gln)

Gene: CANT1 (calcium activated nucleotidase 1; minus strand). Cytogenetic location: 17q25.3.
Variant type: single nucleotide variant.
Coding change: c.311G>A on transcript NM_001159773.2 (MANE Select); coding-DNA position 311, G replaced by A.
Protein change: p.Arg104Gln; replaces arginine 104 with glutamine.
Molecular consequence: missense variant.
Genome position (GRCh38, 1-based): chr17:78,997,312, C>T on the plus strand (G>A on the coding strand, the complement: CANT1 is on the minus strand). VCF-style: chr17-78997312-C-T. GRCh37 (hg19) VCF-style: chr17-76993394-C-T.
Other names: c.311G>A, p.Arg104Gln (NM_001159772.2, NM_138793.4); short protein forms R104Q.
Identifiers: ClinVar variation 1367451 (VCV001367451.3), dbSNP rs763599455, ClinGen allele CA8808758.
Genomic context (GRCh38, chr17:78,997,312, plus strand): 5'-GTGTTTTCCTCTTGGGCCCTTGACTCTGTGTCCAGGTCTGCGATAACTGCGATTCGATAC[C>T]GAATCCCAGCCGGTGTCCTTTGTGGGGGAGACAGGGGGTAGGTGTCATTGTACCAGTTGG-3'
Protein context (NP_001153245.1, residues 94-114): SPPQRTPAGI[Arg104Gln]YRIAVIADLD